The following is an entry in ClinVar:

ClinVar aggregate classification (germline): Uncertain significance (1 of 4 stars; one submission).

Conditions:
Hajdu-Cheney syndrome (HJCYS). Also called: ACROOSTEOLYSIS WITH OSTEOPOROSIS AND CHANGES IN SKULL AND MANDIBLE; SERPENTINE FIBULA-POLYCYSTIC KIDNEY SYNDROME; Acroosteolysis dominant type. Identifiers: Orphanet 955, MedGen C0917715, MONDO:0007057, OMIM 102500.

Allele frequency attached by ClinVar (database versions not stated): gnomAD exomes below 0.00001; TOPMed below 0.00001.
gnomAD v4.1: 4 of 1,614,054 alleles (0.00025%); highest among the groups gnomAD compares: Middle Eastern, 0.017%; no homozygotes.

Submission:

Labcorp Genetics (formerly Invitae), Labcorp
Classification: Uncertain significance for Hajdu-Cheney syndrome. Last evaluated: 2023-09-20. Review status: criteria provided, single submitter. Criteria: Invitae Variant Classification Sherloc (09022015). Collection method: clinical testing. Allele origin: germline.
Comment: This sequence change replaces glutamine, which is neutral and polar, with glutamic acid, which is acidic and polar, at codon 1616 of the NOTCH2 protein (p.Gln1616Glu). In summary, the available evidence is currently insufficient to determine the role of this variant in disease. Therefore, it has been classified as a Variant of Uncertain Significance. Advanced modeling of protein sequence and biophysical properties (such as structural, functional, and spatial information, amino acid conservation, physicochemical variation, residue mobility, and thermodynamic stability) performed at Invitae indicates that this missense variant is not expected to disrupt NOTCH2 protein function. ClinVar contains an entry for this variant (Variation ID: 2188379). This variant has not been reported in the literature in individuals affected with NOTCH2-related conditions. This variant is not present in population databases (gnomAD no frequency).

NM_024408.4(NOTCH2):c.4846C>G (p.Gln1616Glu)

Gene: NOTCH2 (notch receptor 2; minus strand). Cytogenetic location: 1p12.
Variant type: single nucleotide variant.
Coding change: c.4846C>G on transcript NM_024408.4 (MANE Select); coding-DNA position 4846, C replaced by G.
Protein change: p.Gln1616Glu; replaces glutamine 1616 with glutamic acid.
Molecular consequence: missense variant.
Genome position (GRCh38, 1-based): chr1:119,923,650, G>C on the plus strand (C>G on the coding strand, the complement: NOTCH2 is on the minus strand). VCF-style: chr1-119923650-G-C. GRCh37 (hg19) VCF-style: chr1-120466273-G-C.
Other names: short protein forms Q1616E.
Identifiers: ClinVar variation 2188379 (VCV002188379.4), dbSNP rs1649362414, ClinGen allele CA341888407.